The following is an entry in ClinVar:

ClinVar aggregate classification (germline): Uncertain significance (1 of 4 stars; one submission).

Conditions:
Fanconi anemia complementation group O. Also called: RAD51C-Related Fanconi Anemia. Identifiers: Orphanet 84, MedGen C3150653, MONDO:0013248, OMIM 613390.

Submission:

Labcorp Genetics (formerly Invitae), Labcorp
Classification: Uncertain significance for Fanconi anemia complementation group O. Last evaluated: 2021-08-22. Review status: criteria provided, single submitter. Criteria: Invitae Variant Classification Sherloc (09022015). Collection method: clinical testing. Allele origin: germline.
Comment: This sequence change replaces leucine with proline at codon 238 of the RAD51C protein (p.Leu238Pro). The leucine residue is highly conserved and there is a moderate physicochemical difference between leucine and proline. This variant is not present in population databases (ExAC no frequency). This variant has not been reported in the literature in individuals affected with RAD51C-related conditions. Advanced modeling of protein sequence and biophysical properties (such as structural, functional, and spatial information, amino acid conservation, physicochemical variation, residue mobility, and thermodynamic stability) performed at Invitae indicates that this missense variant is expected to disrupt RAD51C protein function. In summary, the available evidence is currently insufficient to determine the role of this variant in disease. Therefore, it has been classified as a Variant of Uncertain Significance.

NM_058216.3(RAD51C):c.713T>C (p.Leu238Pro)

Gene: RAD51C (RAD51 paralog C; plus strand). Cytogenetic location: 17q22.
Variant type: single nucleotide variant.
Coding change: c.713T>C on transcript NM_058216.3 (MANE Select); coding-DNA position 713, T replaced by C.
Protein change: p.Leu238Pro; replaces leucine 238 with proline.
Molecular consequence: missense variant. On other transcripts: non-coding transcript variant (1).
Genome position (GRCh38, 1-based): chr17:58,709,866, T>C. VCF-style: chr17-58709866-T-C. GRCh37 (hg19) VCF-style: chr17-56787227-T-C.
Other names: short protein forms L238P.
Identifiers: ClinVar variation 1376815 (VCV001376815.6), dbSNP rs1060502606, ClinGen allele CA400353135.